The following is an entry in ClinVar:

ClinVar aggregate classification (germline): Uncertain significance. Review status: criteria provided, multiple submitters, no conflicts (2 of 4 stars). 2 submissions from 2 submitters: Uncertain significance (2). Last evaluated 2025-07-31.

Allele frequency attached by ClinVar (database versions not stated): ExAC 0.00001; gnomAD 0.00001; TOPMed 0.00001; gnomAD exomes 0.00002.
gnomAD v4.1: 24 of 1,613,960 alleles (0.0015%); highest among the groups gnomAD compares: Middle Eastern, 0.049%; no homozygotes.

Submissions (2):

Labcorp Genetics (formerly Invitae), Labcorp
Classification: Uncertain significance. Last evaluated: 2025-07-31. Review status: criteria provided, single submitter. Criteria: Invitae Variant Classification Sherloc (09022015). Collection method: clinical testing. Allele origin: germline.
Comment: This sequence change replaces arginine, which is basic and polar, with tryptophan, which is neutral and slightly polar, at codon 1389 of the LTBP2 protein (p.Arg1389Trp). This variant is present in population databases (rs772681666, gnomAD 0.007%). This variant has not been reported in the literature in individuals affected with LTBP2-related conditions. ClinVar contains an entry for this variant (Variation ID: 1683870). An algorithm developed to predict the effect of missense changes on protein structure and function (PolyPhen-2) suggests that this variant is likely to be disruptive. In summary, the available evidence is currently insufficient to determine the role of this variant in disease. Therefore, it has been classified as a Variant of Uncertain Significance.

GeneDx
Classification: Uncertain significance. Last evaluated: 2021-10-12. Review status: criteria provided, single submitter. Criteria: GeneDx Variant Classification Process June 2021. Collection method: clinical testing. Allele origin: germline. Affected: yes.
Comment: In silico analysis supports that this missense variant has a deleterious effect on protein structure/function; Has not been previously published as pathogenic or benign to our knowledge

NM_000428.3(LTBP2):c.4165C>T (p.Arg1389Trp)

Gene: LTBP2 (latent transforming growth factor beta binding protein 2; minus strand). Cytogenetic location: 14q24.3.
Variant type: single nucleotide variant.
Coding change: c.4165C>T on transcript NM_000428.3 (MANE Select); coding-DNA position 4165, C replaced by T.
Protein change: p.Arg1389Trp; replaces arginine 1389 with tryptophan.
Molecular consequence: missense variant.
Genome position (GRCh38, 1-based): chr14:74,506,060, G>A on the plus strand (C>T on the coding strand, the complement: LTBP2 is on the minus strand). VCF-style: chr14-74506060-G-A. GRCh37 (hg19) VCF-style: chr14-74972763-G-A.
Other names: short protein forms R1389W.
Identifiers: ClinVar variation 1683870 (VCV001683870.3), dbSNP rs772681666, ClinGen allele CA7268861.